The following is an entry in ClinVar:

ClinVar aggregate classification (germline): Uncertain significance (1 of 4 stars; one submission).

Conditions:
MEGF8-related Carpenter syndrome. Also called: Carpenter syndrome 2. Identifiers: Orphanet 65759, MedGen C3554247, MONDO:0013998, OMIM 614976.

Allele frequency attached by ClinVar (database versions not stated): gnomAD exomes 0.00001 and 0.00003; gnomAD 0.00003 and 0.00004; TOPMed 0.00003; ExAC 0.00004; ESP Exome Variant Server 0.00008.
gnomAD v4.1: 25 of 1,613,554 alleles (0.0015%); highest among the groups gnomAD compares: Middle Eastern, 0.016%; no homozygotes.

Submission:

Labcorp Genetics (formerly Invitae), Labcorp
Classification: Uncertain significance for MEGF8-related Carpenter syndrome. Last evaluated: 2021-10-04. Review status: criteria provided, single submitter. Criteria: Invitae Variant Classification Sherloc (09022015). Collection method: clinical testing. Allele origin: germline.
Comment: In summary, the available evidence is currently insufficient to determine the role of this variant in disease. Therefore, it has been classified as a Variant of Uncertain Significance. Algorithms developed to predict the effect of missense changes on protein structure and function output the following: SIFT: "Tolerated"; PolyPhen-2: "Benign"; Align-GVGD: "Class C0". The histidine amino acid residue is found in multiple mammalian species, which suggests that this missense change does not adversely affect protein function. This variant has not been reported in the literature in individuals affected with MEGF8-related conditions. This variant is present in population databases (rs370984978, ExAC 0.02%). This sequence change replaces arginine with histidine at codon 2099 of the MEGF8 protein (p.Arg2099His). The arginine residue is moderately conserved and there is a small physicochemical difference between arginine and histidine.

NM_001271938.2(MEGF8):c.6497G>A (p.Arg2166His)

Gene: MEGF8 (multiple EGF like domains 8; plus strand). Cytogenetic location: 19q13.2.
Variant type: single nucleotide variant.
Coding change: c.6497G>A on transcript NM_001271938.2 (MANE Select); coding-DNA position 6497, G replaced by A.
Protein change: p.Arg2166His; replaces arginine 2166 with histidine.
Molecular consequence: missense variant.
Genome position (GRCh38, 1-based): chr19:42,368,858, G>A. VCF-style: chr19-42368858-G-A. GRCh37 (hg19) VCF-style: chr19-42873010-G-A.
Other names: c.6296G>A, p.Arg2099His (NM_001410.3); short protein forms R2099H, R2166H.
Identifiers: ClinVar variation 1441059 (VCV001441059.5), dbSNP rs370984978, ClinGen allele CA9475882.